The following is an entry in ClinVar:

NM_005360.5(MAF):c.1141G>T (p.Glu381Ter)

Gene: MAF (MAF bZIP transcription factor; minus strand). Cytogenetic location: 16q23.2.
Variant type: single nucleotide variant.
Coding change: c.1141G>T on transcript NM_005360.5 (MANE Select); coding-DNA position 1141, G replaced by T.
Protein change: p.Glu381Ter; replaces glutamic acid 381 with a stop codon.
Molecular consequence: nonsense. On other transcripts: 3 prime UTR variant (1).
Genome position (GRCh38, 1-based): chr16:79,594,531, C>A on the plus strand (G>T on the coding strand, the complement: MAF is on the minus strand). VCF-style: chr16-79594531-C-A. GRCh37 (hg19) VCF-style: chr16-79628428-C-A.
Other names: c.*4250G>T (NM_001031804.3); short protein forms E381*.
Identifiers: ClinVar variation 4537883 (VCV004537883.1).

ClinVar aggregate classification (germline): Uncertain significance (1 of 4 stars; one submission).

Submission:

GeneDx
Classification: Uncertain significance. Last evaluated: 2025-06-12. Review status: criteria provided, single submitter. Criteria: GeneDx Variant Classification Process June 2021. Collection method: clinical testing. Allele origin: germline. Affected: yes.
Comment: Not observed at significant frequency in large population cohorts (gnomAD); Nonsense variant predicted to result in protein truncation as the last 23 amino acid(s) are lost; Has not been previously published as pathogenic or benign to our knowledge